The following is an entry in ClinVar:

ClinVar aggregate classification (germline): Uncertain significance (1 of 4 stars; one submission).

Conditions:
Hereditary diffuse gastric adenocarcinoma (HDGC). Also called: DIFFUSE GASTRIC AND LOBULAR BREAST CANCER SYNDROME. Identifiers: Orphanet 26106, MedGen C1708349, MONDO:0007648, OMIM 137215.

Submission:

Labcorp Genetics (formerly Invitae), Labcorp
Classification: Uncertain significance for Hereditary diffuse gastric adenocarcinoma. Last evaluated: 2023-09-14. Review status: criteria provided, single submitter. Criteria: Invitae Variant Classification Sherloc (09022015). Collection method: clinical testing. Allele origin: germline.
Comment: This variant has not been reported in the literature in individuals affected with CDH1-related conditions. In summary, the available evidence is currently insufficient to determine the role of this variant in disease. Therefore, it has been classified as a Variant of Uncertain Significance. An algorithm developed to predict the effect of missense changes on protein structure and function (PolyPhen-2) suggests that this variant is likely to be disruptive. This variant is not present in population databases (gnomAD no frequency). This sequence change replaces serine, which is neutral and polar, with arginine, which is basic and polar, at codon 844 of the CDH1 protein (p.Ser844Arg).

NM_004360.5(CDH1):c.2530A>C (p.Ser844Arg)

Gene: CDH1 (cadherin 1; plus strand). Cytogenetic location: 16q22.1.
Variant type: single nucleotide variant.
Coding change: c.2530A>C on transcript NM_004360.5 (MANE Select); coding-DNA position 2530, A replaced by C.
Protein change: p.Ser844Arg; replaces serine 844 with arginine.
Molecular consequence: missense variant.
Genome position (GRCh38, 1-based): chr16:68,833,380, A>C. VCF-style: chr16-68833380-A-C. GRCh37 (hg19) VCF-style: chr16-68867283-A-C.
Other names: c.2347A>C, p.Ser783Arg (NM_001317184.2); c.982A>C, p.Ser328Arg (NM_001317185.2); c.565A>C, p.Ser189Arg (NM_001317186.2); short protein forms S189R, S783R, S328R, S844R.
Identifiers: ClinVar variation 2846498 (VCV002846498.3), dbSNP rs761400928, ClinGen allele CA396472320.
Genomic context (GRCh38, chr16:68,833,380, plus strand): 5'-GCCCCGCCTTATGATTCTCTGCTCGTGTTTGACTATGAAGGAAGCGGTTCCGAAGCTGCT[A>C]GTCTGAGCTCCCTGAACTCCTCAGAGTCAGACAAAGACCAGGACTATGACTACTTGAACG-3'
Protein context (NP_004351.1, residues 834-854): DYEGSGSEAA[Ser844Arg]LSSLNSSESD